The following is an entry in ClinVar:

ClinVar aggregate classification (germline): Uncertain significance. Review status: criteria provided, multiple submitters, no conflicts (2 of 4 stars). 2 submissions from 2 submitters: Uncertain significance (2). Last evaluated 2022-04-21.

Conditions:
Fanconi anemia complementation group L (FANCL). Also called: FANCL-Related Fanconi Anemia. Identifiers: Orphanet 84, MedGen C3469528, MONDO:0013566, OMIM 614083.
Fanconi anemia (FA). Also called: Fanconi's anemia. Identifiers: Orphanet 84, MedGen C0015625, MeSH D005199, MONDO:0019391.

Allele frequency attached by ClinVar (database versions not stated): gnomAD below 0.00001 and 0.00001; gnomAD exomes 0.00001.
gnomAD v4.1: 9 of 1,614,162 alleles (0.00056%); highest among the groups gnomAD compares: South Asian, 0.0022%; no homozygotes.

Submissions (2):

Fulgent Genetics
Classification: Uncertain significance for Fanconi anemia complementation group L. Last evaluated: 2022-04-21. Review status: criteria provided, single submitter. Criteria: ACMG Guidelines, 2015. Collection method: clinical testing. Allele origin: unknown.

Labcorp Genetics (formerly Invitae), Labcorp
Classification: Uncertain significance for Fanconi anemia. Last evaluated: 2019-04-07. Review status: criteria provided, single submitter. Criteria: Invitae Variant Classification Sherloc (09022015). Collection method: clinical testing. Allele origin: germline.
Comment: This sequence change replaces glutamic acid with glutamine at codon 26 of the FANCL protein (p.Glu26Gln). The glutamic acid residue is moderately conserved and there is a small physicochemical difference between glutamic acid and glutamine. This variant is not present in population databases (ExAC no frequency). This variant has not been reported in the literature in individuals with FANCL-related conditions. Algorithms developed to predict the effect of missense changes on protein structure and function are either unavailable or do not agree on the potential impact of this missense change (SIFT: "Tolerated"; PolyPhen-2: "Possibly Damaging"; Align-GVGD: "Class C0"). In summary, the available evidence is currently insufficient to determine the role of this variant in disease. Therefore, it has been classified as a Variant of Uncertain Significance.

NM_018062.4(FANCL):c.76G>C (p.Glu26Gln)

Gene: FANCL (FA complementation group L; minus strand). Cytogenetic location: 2p16.1.
Variant type: single nucleotide variant.
Coding change: c.76G>C on transcript NM_018062.4 (MANE Select); coding-DNA position 76, G replaced by C.
Protein change: p.Glu26Gln; replaces glutamic acid 26 with glutamine.
Molecular consequence: missense variant.
Genome position (GRCh38, 1-based): chr2:58,241,238, C>G on the plus strand (G>C on the coding strand, the complement: FANCL is on the minus strand). VCF-style: chr2-58241238-C-G. GRCh37 (hg19) VCF-style: chr2-58468373-C-G.
Other names: c.76G>C, p.Glu26Gln (NM_001114636.2, NM_001374615.1, NM_001410792.1); short protein forms E26Q.
Identifiers: ClinVar variation 835087 (VCV000835087.11), dbSNP rs1694515857, ClinGen allele CA347035084.